The following is an entry in ClinVar:

NM_016089.3(ZNF589):c.647C>G (p.Thr216Arg)

Gene: ZNF589 (zinc finger protein 589; plus strand). Cytogenetic location: 3p21.31.
Variant type: single nucleotide variant.
Coding change: c.647C>G on transcript NM_016089.3 (MANE Select); coding-DNA position 647, C replaced by G.
Protein change: p.Thr216Arg; replaces threonine 216 with arginine.
Molecular consequence: missense variant.
Genome position (GRCh38, 1-based): chr3:48,268,338, C>G. VCF-style: chr3-48268338-C-G. GRCh37 (hg19) VCF-style: chr3-48309828-C-G.
Other names: short protein forms T216R.
Identifiers: ClinVar variation 3059949 (VCV003059949.2), dbSNP rs11718329, ClinGen allele CA2372661.

ClinVar aggregate classification (germline): Benign (0 of 4 stars; one submission).

Conditions:
ZNF589-related disorder. Also called: ZNF589-related condition.

Allele frequency attached by ClinVar (database versions not stated): 1000 Genomes Project 0.25579; 1000 Genomes Project 30x 0.26421; TOPMed 0.29691; ESP Exome Variant Server 0.31282.
gnomAD v4.1: 484,468 of 1,613,900 alleles (30%); highest among the groups gnomAD compares: African/African-American, 33%; 75,546 homozygotes.

Submission:

PreventionGenetics, part of Exact Sciences
Classification: Benign for ZNF589-related condition. Last evaluated: 2019-10-25. Review status: no assertion criteria provided. Collection method: clinical testing. Allele origin: germline.
Comment: This variant is classified as benign based on ACMG/AMP sequence variant interpretation guidelines (Richards et al. 2015 PMID: 25741868, with internal and published modifications).